The following is an entry in ClinVar:

NM_002968.3(SALL1):c.478GGC[6] (p.Gly163_Ser164insGlyGly)

Gene: SALL1 (spalt like transcription factor 1; minus strand). Cytogenetic location: 16q12.1.
Variant type: Microsatellite.
Coding change: c.478GGC[6] on transcript NM_002968.3 (MANE Select); six copies in a row of the 3-base unit GGC starting at c.478; the reference has four copies in a row; two copies, 6 bases duplicated.
Protein change: p.Gly163_Ser164insGlyGly.
Molecular consequence: inframe indel (on NM_002968.2).
Genome position (GRCh38, 1-based): chr16:51,141,733-51,141,738, GCCGCC duplicated on the plus strand (GGCGGC on the coding strand, the reverse complement: SALL1 is on the minus strand); duplicating any 6 consecutive bases within chr16:51,141,733-51,141,746 gives the same sequence; the position shown is the placement nearest the transcript's 3' end. VCF-style (leftmost placement, unchanged base first): chr16-51141732-T-TGCCGCC. GRCh37 (hg19) VCF-style: chr16-51175643-T-TGCCGCC.
Other names: c.187GGC[6], p.Gly66_Ser67insGlyGly (NM_001127892.2); c.476_478GCG[6], p.Gly163_Ser164insGlyGly (NM_002968.2); c.484_489dup6 (NM_002968.2).
Identifiers: ClinVar variation 3046433 (VCV003046433.5), dbSNP rs1555475414, ClinGen allele CA8053449.

ClinVar aggregate classification (germline): Uncertain significance. Review status: criteria provided, multiple submitters, no conflicts (2 of 4 stars). 3 submissions from 3 submitters: Uncertain significance (2). 1 of the submissions does not count toward it. Last evaluated 2025-01-07.

Conditions:
Townes syndrome (TBS). Also called: Townes-Brocks syndrome. Identifiers: Orphanet 857, MedGen C0265246, MeSH C536974, MONDO:0007142.
SALL1-related disorder. Also called: SALL1-related condition.

Submissions (3):

Labcorp Genetics (formerly Invitae), Labcorp
Classification: Uncertain significance for Townes syndrome. Last evaluated: 2025-01-07. Review status: criteria provided, single submitter. Criteria: Invitae Variant Classification Sherloc (09022015). Collection method: clinical testing. Allele origin: germline.
Comment: This variant, c.484_489dup, results in the insertion of 2 amino acid(s) of the SALL1 protein (p.Gly162_Gly163dup), but otherwise preserves the integrity of the reading frame. This variant is present in population databases (rs779674923, gnomAD 0.06%), and has an allele count higher than expected for a pathogenic variant. This variant has not been reported in the literature in individuals affected with SALL1-related conditions. Experimental studies and prediction algorithms are not available or were not evaluated, and the functional significance of this variant is currently unknown. In summary, the available evidence is currently insufficient to determine the role of this variant in disease. Therefore, it has been classified as a Variant of Uncertain Significance.

Blueprint Genetics
Classification: Uncertain significance. Last evaluated: 2024-07-23. Review status: criteria provided, single submitter. Criteria: ACMG Guidelines, 2015. Collection method: clinical testing. Allele origin: germline.

PreventionGenetics, part of Exact Sciences
Classification: Likely benign for SALL1-related condition. Last evaluated: 2023-08-30. Review status: no assertion criteria provided. Collection method: clinical testing. Allele origin: germline. Not counted in ClinVar's aggregate classification.
Comment: This variant is classified as likely benign based on ACMG/AMP sequence variant interpretation guidelines (Richards et al. 2015 PMID: 25741868, with internal and published modifications).